The following is an entry in ClinVar:

ClinVar aggregate classification (germline): Uncertain significance (1 of 4 stars; one submission).

Conditions:
Intellectual developmental disorder, X-linked 1. Also called: Atkin Flaitz Patil Smith syndrome; Intellectual disability, X-linked 1; MENTAL RETARDATION, X-LINKED 18; MENTAL RETARDATION, X-LINKED 78. Identifiers: Orphanet 777, MedGen C2931498, MONDO:0010656, OMIM 309530.

Submission:

Labcorp Genetics (formerly Invitae), Labcorp
Classification: Uncertain significance for Intellectual developmental disorder, X-linked 1. Last evaluated: 2023-01-28. Review status: criteria provided, single submitter. Criteria: Invitae Variant Classification Sherloc (09022015). Collection method: clinical testing. Allele origin: germline.
Comment: In summary, the available evidence is currently insufficient to determine the role of this variant in disease. Therefore, it has been classified as a Variant of Uncertain Significance. Advanced modeling of protein sequence and biophysical properties (such as structural, functional, and spatial information, amino acid conservation, physicochemical variation, residue mobility, and thermodynamic stability) performed at Invitae indicates that this missense variant is not expected to disrupt IQSEC2 protein function. This missense change has been observed in individual(s) with clinical features of IQSEC2-related conditions (Invitae). This variant is not present in population databases (gnomAD no frequency). This sequence change replaces alanine, which is neutral and non-polar, with valine, which is neutral and non-polar, at codon 623 of the IQSEC2 protein (p.Ala623Val).

NM_001111125.3(IQSEC2):c.1868C>T (p.Ala623Val)

Gene: IQSEC2 (IQ motif and Sec7 domain ArfGEF 2; minus strand). Cytogenetic location: Xp11.22.
Variant type: single nucleotide variant.
Coding change: c.1868C>T on transcript NM_001111125.3 (MANE Select); coding-DNA position 1868, C replaced by T.
Protein change: p.Ala623Val; replaces alanine 623 with valine.
Molecular consequence: missense variant.
Genome position (GRCh38, 1-based): chrX:53,250,708, G>A on the plus strand (C>T on the coding strand, the complement: IQSEC2 is on the minus strand). VCF-style: chrX-53250708-G-A. GRCh37 (hg19) VCF-style: chrX-53279890-G-A.
Other names: c.1868C>T, p.Ala623Val (NM_001410736.1); c.1253C>T, p.Ala418Val (NM_015075.2); short protein forms A418V, A623V.
Identifiers: ClinVar variation 2807866 (VCV002807866.3), dbSNP rs2519803194, ClinGen allele CA413163094.